The following is an entry in ClinVar:

NM_024529.5(CDC73):c.1417dup (p.Ile473fs)

Gene: CDC73 (cell division cycle 73; plus strand). Cytogenetic location: 1q31.2.
Variant type: Duplication.
Coding change: c.1417dup on transcript NM_024529.5 (MANE Select); coding-DNA position 1417, one base duplicated (A; older notation c.1417dupA).
Protein change: p.Ile473fs; shifts the reading frame from isoleucine 473.
Molecular consequence: frameshift variant.
Genome position (GRCh38, 1-based): chr1:193,236,356, A duplicated; the last of 4 consecutive A bases (chr1:193,236,353-193,236,356); duplicating any one gives the same sequence. VCF-style (leftmost placement, unchanged base first): chr1-193236352-T-TA. GRCh37 (hg19) VCF-style: chr1-193205482-T-TA.
Other names: short protein forms I473fs.
Identifiers: ClinVar variation 1405935 (VCV001405935.6), dbSNP rs2102061912, ClinGen allele CA2573131399.

ClinVar aggregate classification (germline): Pathogenic (1 of 4 stars; one submission).

Conditions:
Parathyroid carcinoma (PRTC). Also called: CDC73-Related Parathyroid Carcinoma; Parathyroid gland carcinoma. Identifiers: Orphanet 143, MedGen C0687150, MONDO:0012004, OMIM 608266, HP:0006780.

Submission:

Labcorp Genetics (formerly Invitae), Labcorp
Classification: Pathogenic for Parathyroid carcinoma. Last evaluated: 2025-12-22. Review status: criteria provided, single submitter. Criteria: Invitae Variant Classification Sherloc (09022015). Collection method: clinical testing. Allele origin: germline.
Comment: This sequence change creates a premature translational stop signal (p.Ile473Asnfs*2) in the CDC73 gene. It is expected to result in an absent or disrupted protein product. Loss-of-function variants in CDC73 are known to be pathogenic (PMID: 12434154). This variant is not present in population databases (gnomAD no frequency). This variant has not been reported in the literature in individuals affected with CDC73-related conditions. ClinVar contains an entry for this variant (Variation ID: 1405935). For these reasons, this variant has been classified as Pathogenic.

Literature cited by the submitters: PubMed 12434154.